The following is an entry in ClinVar:

ClinVar aggregate classification (germline): Uncertain significance (1 of 4 stars; one submission).

Conditions:
Glycogen storage disease IXb (GSD9B). Also called: GLYCOGENOSIS OF LIVER AND MUSCLE, AUTOSOMAL RECESSIVE; GSD IXb; PHOSPHORYLASE KINASE DEFICIENCY OF LIVER AND MUSCLE, AUTOSOMAL RECESSIVE. Identifiers: Orphanet 79240, MedGen C0543514, MONDO:0009868, OMIM 261750.

Allele frequency attached by ClinVar (database versions not stated): gnomAD exomes below 0.00001; ExAC 0.00001; TOPMed 0.00001.
gnomAD v4.1: 7 of 1,610,660 alleles (0.00043%); highest among the groups gnomAD compares: African/African-American, 0.0013%; no homozygotes.

Submission:

Labcorp Genetics (formerly Invitae), Labcorp
Classification: Uncertain significance for Glycogen storage disease IXb. Last evaluated: 2021-12-25. Review status: criteria provided, single submitter. Criteria: Invitae Variant Classification Sherloc (09022015). Collection method: clinical testing. Allele origin: germline.
Comment: This sequence change replaces arginine, which is basic and polar, with tryptophan, which is neutral and slightly polar, at codon 630 of the PHKB protein (p.Arg630Trp). This variant is present in population databases (rs747479623, gnomAD 0.007%). This variant has not been reported in the literature in individuals affected with PHKB-related conditions. Algorithms developed to predict the effect of missense changes on protein structure and function are either unavailable or do not agree on the potential impact of this missense change (SIFT: "Deleterious"; PolyPhen-2: "Probably Damaging"; Align-GVGD: "Class C0"). In summary, the available evidence is currently insufficient to determine the role of this variant in disease. Therefore, it has been classified as a Variant of Uncertain Significance.

NM_000293.3(PHKB):c.1888C>T (p.Arg630Trp)

Gene: PHKB (phosphorylase kinase regulatory subunit beta; plus strand). Cytogenetic location: 16q12.1.
Variant type: single nucleotide variant.
Coding change: c.1888C>T on transcript NM_000293.3 (MANE Select); coding-DNA position 1888, C replaced by T.
Protein change: p.Arg630Trp; replaces arginine 630 with tryptophan.
Molecular consequence: missense variant.
Genome position (GRCh38, 1-based): chr16:47,650,838, C>T. VCF-style: chr16-47650838-C-T. GRCh37 (hg19) VCF-style: chr16-47684749-C-T.
Other names: c.1867C>T, p.Arg623Trp (NM_001031835.3); c.1888C>T, p.Arg630Trp (NM_001363837.1); short protein forms R623W, R630W.
Identifiers: ClinVar variation 1924320 (VCV001924320.2), dbSNP rs747479623, ClinGen allele CA8041007.